The following is an entry in ClinVar:

ClinVar aggregate classification (germline): Conflicting classifications of pathogenicity. Review status: criteria provided, conflicting classifications (1 of 4 stars). 2 submissions from 2 submitters: Uncertain significance (1); Likely benign (1). Last evaluated 2025-12-17.

Conditions:
Dyskeratosis congenita, autosomal dominant 6 (DKCA6). Identifiers: Orphanet 3322, MedGen C4225284, MONDO:0014690, OMIM 616553.
Inborn genetic diseases. Identifiers: MedGen C0950123, MeSH D030342.

Allele frequency attached by ClinVar (database versions not stated): ESP Exome Variant Server 0.00015; 1000 Genomes Project 0.00020; 1000 Genomes Project 30x 0.00062.

Submissions (2):

Labcorp Genetics (formerly Invitae), Labcorp
Classification: Uncertain significance for Dyskeratosis congenita, autosomal dominant 6. Last evaluated: 2025-12-17. Review status: criteria provided, single submitter. Criteria: Invitae Variant Classification Sherloc (09022015). Collection method: clinical testing. Allele origin: germline.
Comment: This sequence change replaces arginine, which is basic and polar, with glutamine, which is neutral and polar, at codon 262 of the ACD protein (p.Arg262Gln). This variant is present in population databases (rs145007645, gnomAD 0.04%). This variant has not been reported in the literature in individuals affected with ACD-related conditions. ClinVar contains an entry for this variant (Variation ID: 1052741). Invitae Evidence Modeling of protein sequence and biophysical properties (such as structural, functional, and spatial information, amino acid conservation, physicochemical variation, residue mobility, and thermodynamic stability) indicates that this missense variant is not expected to disrupt ACD protein function with a negative predictive value of 80%. In summary, the available evidence is currently insufficient to determine the role of this variant in disease. Therefore, it has been classified as a Variant of Uncertain Significance.

Ambry Genetics
Classification: Likely benign for Inborn genetic diseases. Last evaluated: 2025-01-24. Review status: criteria provided, single submitter. Criteria: Ambry Variant Classification Scheme 2023. Collection method: clinical testing. Allele origin: germline.

NM_001082486.2(ACD):c.527G>A (p.Arg176Gln)

Gene: ACD (ACD shelterin complex subunit and telomerase recruitment factor; minus strand). Cytogenetic location: 16q22.1.
Variant type: single nucleotide variant.
Coding change: c.527G>A on transcript NM_001082486.2 (MANE Select); coding-DNA position 527, G replaced by A.
Protein change: p.Arg176Gln; replaces arginine 176 with glutamine.
Molecular consequence: missense variant.
Genome position (GRCh38, 1-based): chr16:67,659,046, C>T on the plus strand (G>A on the coding strand, the complement: ACD is on the minus strand). VCF-style: chr16-67659046-C-T. GRCh37 (hg19) VCF-style: chr16-67692949-C-T.
Other names: c.518G>A, p.Arg173Gln (NM_022914.3); short protein forms R173Q, R176Q.
Identifiers: ClinVar variation 1052741 (VCV001052741.12), dbSNP rs145007645, ClinGen allele CA8114629.
Genomic context (GRCh38, chr16:67,659,046, plus strand): 5'-TCCAGTGTCAGGCAGCTTTCAGCCAGGCACACGAGTGCCCCCTGATGCTCCTGGTCCTCC[C>T]GCATTTCATCCAGAAGCTGGGACAGTGATAGGCCTGGGGACAGGGGACCATGGGATGAGT-3'
Protein context (NP_001075955.2, residues 166-186): LSLSQLLDEM[Arg176Gln]EDQEHQGALV